The following is an entry in ClinVar:

NM_003628.6(PKP4):c.1697T>G (p.Val566Gly)

Gene: PKP4 (plakophilin 4; plus strand). Cytogenetic location: 2q24.1.
Variant type: single nucleotide variant.
Coding change: c.1697T>G on transcript NM_003628.6 (MANE Select); coding-DNA position 1697, T replaced by G.
Protein change: p.Val566Gly; replaces valine 566 with glycine.
Molecular consequence: missense variant.
Genome position (GRCh38, 1-based): chr2:158,642,487, T>G. VCF-style: chr2-158642487-T-G. GRCh37 (hg19) VCF-style: chr2-159498999-T-G.
Other names: c.1697T>G, p.Val566Gly (NM_001005476.4, NM_001304971.2, NM_001377218.1 and 1 more transcripts); c.1694T>G, p.Val565Gly (NM_001304969.3, NM_001377219.1, NM_001377220.1 and 2 more transcripts); c.668T>G, p.Val223Gly (NM_001304970.3); c.1691T>G, p.Val564Gly (NM_001377222.1, NM_001377223.1); c.1688T>G, p.Val563Gly (NM_001377224.1); short protein forms V566G, V564G, V565G, V223G, V563G.
Identifiers: ClinVar variation 2561562 (VCV002561562.3), dbSNP rs376203990, ClinGen allele CA1920791.
Genomic context (GRCh38, chr2:158,642,487, plus strand): 5'-TATGATCACTGATTAATTGCATGTTACTTAGGCCTGGTACCTAATATTTTTCATTCTAGG[T>G]GTGTAGGTTAGGGGGAATCAAGCATCTGGTTGACCTTCTGGACCACAGAGTTTTGGAAGT-3'
Protein context (NP_003619.2, residues 556-576): CFGDNKVKME[Val566Gly]CRLGGIKHLV

ClinVar aggregate classification (germline): Uncertain significance (1 of 4 stars; one submission).

Allele frequency attached by ClinVar (database versions not stated): ExAC 0.00003; ESP Exome Variant Server 0.00008.
gnomAD v4.1: 17 of 1,596,922 alleles (0.0011%); highest among the groups gnomAD compares: Non-Finnish European, 0.0015%; no homozygotes.

Submission:

Ambry Genetics
Classification: Uncertain significance. Last evaluated: 2025-04-14. Review status: criteria provided, single submitter. Criteria: Ambry Variant Classification Scheme 2023. Collection method: clinical testing. Allele origin: germline.
Comment: The p.V566G variant (also known as c.1697T>G), located in coding exon 10 of the PKP4 gene, results from a T to G substitution at nucleotide position 1697. The valine at codon 566 is replaced by glycine, an amino acid with dissimilar properties. This amino acid position is conserved. In addition, this alteration is predicted to be deleterious by in silico analysis. Since supporting evidence is limited at this time, the clinical significance of this alteration remains unclear.